The following is an entry in ClinVar:

NM_130837.3(OPA1):c.937A>T (p.Arg313Ter)

Gene: OPA1 (OPA1 mitochondrial dynamin like GTPase; plus strand). Cytogenetic location: 3q29.
Variant type: single nucleotide variant.
Coding change: c.937A>T on transcript NM_130837.3 (MANE Select); coding-DNA position 937, A replaced by T.
Protein change: p.Arg313Ter; replaces arginine 313 with a stop codon.
Molecular consequence: nonsense.
Genome position (GRCh38, 1-based): chr3:193,635,511, A>T. VCF-style: chr3-193635511-A-T. GRCh37 (hg19) VCF-style: chr3-193353300-A-T.
Other names: c.403A>T, p.Arg135Ter (NM_001354663.2); c.400A>T, p.Arg134Ter (NM_001354664.2); c.772A>T, p.Arg258Ter (NM_015560.3); c.664A>T, p.Arg222Ter (NM_130831.3); c.718A>T, p.Arg240Ter (NM_130832.3); c.775A>T, p.Arg259Ter (NM_130833.3); c.826A>T, p.Arg276Ter (NM_130834.3); c.829A>T, p.Arg277Ter (NM_130835.3); and 1 more; short protein forms R135*, R258*, R277*, R313*, R240*, R222*, R295*, R134*.
Identifiers: ClinVar variation 1447573 (VCV001447573.6), dbSNP rs2109002680, ClinGen allele CA355787498.
Genomic context (GRCh38, chr3:193,635,511, plus strand): 5'-AAGGAGAACAAAGAATTGAGAAAATTAGTATTGCAGAAAGATGACAAAGGCATTCATCAT[A>T]GAAAGCTTAAGGTATTCTAAGTTTGTCTTGTTTATTCTCAAAATTTTACCGCTTAACGTT-3'

ClinVar aggregate classification (germline): Pathogenic (1 of 4 stars; one submission).

Submission:

Labcorp Genetics (formerly Invitae), Labcorp
Classification: Pathogenic. Last evaluated: 2021-04-16. Review status: criteria provided, single submitter. Criteria: Invitae Variant Classification Sherloc (09022015). Collection method: clinical testing. Allele origin: germline.
Comment: This sequence change creates a premature translational stop signal (p.Arg258*) in the OPA1 gene. It is expected to result in an absent or disrupted protein product. Loss-of-function variants in OPA1 are known to be pathogenic (PMID: 11440988, 20157015, 20952381, 25012220). This variant is not present in population databases (ExAC no frequency). This variant has not been reported in the literature in individuals with OPA1-related conditions. For these reasons, this variant has been classified as Pathogenic.

Literature cited by the submitters: PubMed 11440988; PubMed 20157015; PubMed 20952381; PubMed 25012220.